The following is an entry in ClinVar:

ClinVar aggregate classification (germline): Conflicting classifications of pathogenicity. Review status: criteria provided, conflicting classifications (1 of 4 stars). 2 submissions from 2 submitters: Pathogenic (1); Uncertain significance (1). Last evaluated 2025-03-27.

Conditions:
Ectodermal dysplasia and immunodeficiency 2. Identifiers: Orphanet 238468, Orphanet 98813, MedGen C2677481, MONDO:0012806, OMIM 612132.

Submissions (2):

Labcorp Genetics (formerly Invitae), Labcorp
Classification: Uncertain significance for Ectodermal dysplasia and immunodeficiency 2. Last evaluated: 2025-03-27. Review status: criteria provided, single submitter. Criteria: Invitae Variant Classification Sherloc (09022015). Collection method: clinical testing. Allele origin: germline.
Comment: This sequence change creates a premature translational stop signal (p.Trp11*) in the NFKBIA gene. It is expected to result in an absent or disrupted protein product. However, the current clinical and genetic evidence is not sufficient to establish whether loss-of-function variants in NFKBIA cause disease. This variant is not present in population databases (gnomAD no frequency). This premature translational stop signal has been observed in individuals with clinical features of anhidrotic ectodermal dysplasia with T-cell immunodeficiency and/or primary immune deficiency (PMID: 17931563, 32581362; internal data). ClinVar contains an entry for this variant (Variation ID: 452693). Algorithms developed to predict the effect of variants on gene product structure and function are not available or were not evaluated for this variant. Experimental studies are conflicting or provide insufficient evidence to determine the effect of this variant on NFKBIA function (PMID: 17931563, 28629746). In summary, the available evidence is currently insufficient to determine the role of this variant in disease. Therefore, it has been classified as a Variant of Uncertain Significance.

GeneDx
Classification: Pathogenic. Last evaluated: 2017-10-23. Review status: criteria provided, single submitter. Criteria: GeneDx Variant Classification (06012015). Collection method: clinical testing. Allele origin: germline. Affected: yes.
Comment: The W11X variant in the NFKBIA gene has not been reported previously as a pathogenic variant nor as a benign variant, to our knowledge. This variant is predicted to cause loss of normal protein function either through protein truncation or nonsense-mediated mRNA decay. The W11X variant is not observed in large population cohorts (Lek et al., 2016). We interpret W11X as a pathogenic variant.

Literature cited by the submitters: PubMed 17931563 (cited by Labcorp Genetics (formerly Invitae), Labcorp); PubMed 32581362 (cited by Labcorp Genetics (formerly Invitae), Labcorp); PubMed 28629746 (cited by Labcorp Genetics (formerly Invitae), Labcorp).

NM_020529.3(NFKBIA):c.33G>A (p.Trp11Ter)

Genes: NFKBIA (NFKB inhibitor alpha; minus strand), LOC130055497 (ATAC-STARR-seq lymphoblastoid silent region 5676; plus strand). Cytogenetic location: 14q13.2.
Variant type: single nucleotide variant.
Coding change: c.33G>A on transcript NM_020529.3 (MANE Select); coding-DNA position 33, G replaced by A.
Protein change: p.Trp11Ter; replaces tryptophan 11 with a stop codon.
Molecular consequence: nonsense.
Genome position (GRCh38, 1-based): chr14:35,404,612, C>T on the plus strand (G>A on the coding strand, the complement: NFKBIA is on the minus strand). VCF-style: chr14-35404612-C-T. GRCh37 (hg19) VCF-style: chr14-35873818-C-T.
Other names: short protein forms W11*.
Identifiers: ClinVar variation 452693 (VCV000452693.3), dbSNP rs1555342918, ClinGen allele CA389455462.